The following is an entry in ClinVar:

NM_021800.3(DNAJC12):c.203A>G (p.Asn68Ser)

Gene: DNAJC12 (DnaJ heat shock protein family (Hsp40) member C12; minus strand). Cytogenetic location: 10q21.3.
Variant type: single nucleotide variant.
Coding change: c.203A>G on transcript NM_021800.3 (MANE Select); coding-DNA position 203, A replaced by G.
Protein change: p.Asn68Ser; replaces asparagine 68 with serine.
Molecular consequence: missense variant.
Genome position (GRCh38, 1-based): chr10:67,811,618, T>C on the plus strand (A>G on the coding strand, the complement: DNAJC12 is on the minus strand). VCF-style: chr10-67811618-T-C. GRCh37 (hg19) VCF-style: chr10-69571376-T-C.
Other names: c.203A>G, p.Asn68Ser (NM_201262.2); short protein forms N68S.
Identifiers: ClinVar variation 5039912 (VCV005039912.1).

ClinVar aggregate classification (germline): Uncertain significance (1 of 4 stars; one submission).

Submission:

CeGaT Center for Human Genetics Tuebingen
Classification: Uncertain significance. Last evaluated: 2026-07-01. Review status: criteria provided, single submitter. Criteria: CeGaT Center For Human Genetics Tuebingen Variant Classification Criteria Version 2. Collection method: clinical testing. Allele origin: germline. Affected: yes. Observed: 1 variant allele.
Comment: DNAJC12: PM2, BP4